The following is an entry in ClinVar:

NM_001365792.1(DAB1):c.1104C>T (p.Pro368=)

Gene: DAB1 (DAB adaptor protein 1; minus strand). Cytogenetic location: 1p32.2.
Variant type: single nucleotide variant.
Coding change: c.1104C>T on transcript NM_001365792.1 (MANE Select); coding-DNA position 1104, C replaced by T.
Protein change: p.Pro368=; no amino-acid change (proline 368 retained).
Molecular consequence: synonymous variant.
Genome position (GRCh38, 1-based): chr1:57,015,223, G>A on the plus strand (C>T on the coding strand, the complement: DAB1 is on the minus strand). VCF-style: chr1-57015223-G-A. GRCh37 (hg19) VCF-style: chr1-57480896-G-A.
Other names: c.1104C>T, p.Pro368= (NM_001353983.2, NM_001353985.2, NM_001365793.1 and 2 more transcripts); c.1098C>T, p.Pro366= (NM_001353986.2, NM_001379461.1).
Identifiers: ClinVar variation 774580 (VCV000774580.35), dbSNP rs148158311, ClinGen allele CA876301.

ClinVar aggregate classification (germline): Benign/Likely benign. Review status: criteria provided, multiple submitters, no conflicts (2 of 4 stars). 3 submissions from 3 submitters: Benign (1); Likely benign (2). Last evaluated 2026-08-01.

Allele frequency attached by ClinVar (database versions not stated): 1000 Genomes Project 30x 0.00047; 1000 Genomes Project 0.00060; ESP Exome Variant Server 0.00146; TOPMed 0.00148; gnomAD 0.00194 and 0.00236.
gnomAD v4.1: 3,235 of 1,614,042 alleles (0.2%); highest among the groups gnomAD compares: Non-Finnish European, 0.18%; 11 homozygotes.

Submissions (3):

CeGaT Center for Human Genetics Tuebingen
Classification: Likely benign. Last evaluated: 2026-08-01. Review status: criteria provided, single submitter. Criteria: CeGaT Center For Human Genetics Tuebingen Variant Classification Criteria Version 2. Collection method: clinical testing. Allele origin: germline. Affected: yes. Observed: 11 variant alleles.
Comment: DAB1: BP4, BP7

Blueprint Genetics
Classification: Likely benign. Last evaluated: 2024-11-25. Review status: criteria provided, single submitter. Criteria: ACMG Guidelines, 2015. Collection method: clinical testing. Allele origin: germline.

Labcorp Genetics (formerly Invitae), Labcorp
Classification: Benign. Last evaluated: 2019-12-31. Review status: criteria provided, single submitter. Criteria: Invitae Variant Classification Sherloc (09022015). Collection method: clinical testing. Allele origin: germline.